The following is an entry in ClinVar:

ClinVar aggregate classification (germline): Uncertain significance (1 of 4 stars; one submission).

Submission:

Labcorp Genetics (formerly Invitae), Labcorp
Classification: Uncertain significance. Last evaluated: 2024-05-15. Review status: criteria provided, single submitter. Criteria: Invitae Variant Classification Sherloc (09022015). Collection method: clinical testing. Allele origin: germline.
Comment: This sequence change replaces serine, which is neutral and polar, with leucine, which is neutral and non-polar, at codon 223 of the BUB1 protein (p.Ser223Leu). This variant is not present in population databases (gnomAD no frequency). This variant has not been reported in the literature in individuals affected with BUB1-related conditions. Experimental studies and prediction algorithms are not available or were not evaluated, and the functional significance of this variant is currently unknown. In summary, the available evidence is currently insufficient to determine the role of this variant in disease. Therefore, it has been classified as a Variant of Uncertain Significance.

NM_004336.5(BUB1):c.668C>T (p.Ser223Leu)

Gene: BUB1 (BUB1 mitotic checkpoint serine/threonine kinase; minus strand). Cytogenetic location: 2q13.
Variant type: single nucleotide variant.
Coding change: c.668C>T on transcript NM_004336.5 (MANE Select); coding-DNA position 668, C replaced by T.
Protein change: p.Ser223Leu; replaces serine 223 with leucine.
Molecular consequence: missense variant.
Genome position (GRCh38, 1-based): chr2:110,667,658, G>A on the plus strand (C>T on the coding strand, the complement: BUB1 is on the minus strand). VCF-style: chr2-110667658-G-A. GRCh37 (hg19) VCF-style: chr2-111425235-G-A.
Other names: c.608C>T, p.Ser203Leu (NM_001278616.2); c.668C>T, p.Ser223Leu (NM_001278617.2); short protein forms S203L, S223L.
Identifiers: ClinVar variation 3653441 (VCV003653441.2).